The following is an entry in ClinVar:

ClinVar aggregate classification (germline): Uncertain significance (1 of 4 stars; one submission).

Conditions:
Inborn genetic diseases. Identifiers: MedGen C0950123, MeSH D030342.

gnomAD v4.1: 1 of 1,612,588 alleles (0.000062%); highest among the groups gnomAD compares: South Asian, 0.0011%; no homozygotes.

Submission:

Ambry Genetics
Classification: Uncertain significance for Inborn genetic diseases. Last evaluated: 2025-10-21. Review status: criteria provided, single submitter. Criteria: Ambry Variant Classification Scheme 2023. Collection method: clinical testing. Allele origin: germline.
Comment: The c.902C>T (p.P301L) alteration is located in exon 1 (coding exon 1) of the CLCN3 gene. This alteration results from a C to T substitution at nucleotide position 902, causing the proline (P) at amino acid position 301 to be replaced by a leucine (L). Based on data from gnomAD, the T allele has an overall frequency of <0.001% (1/251388) total alleles studied. The highest observed frequency was 0.001% (1/113708) of European (non-Finnish) alleles. Based on insufficient or conflicting evidence, the clinical significance of this alteration remains unclear.

NM_001829.4(CLCN3):c.902C>T (p.Pro301Leu)

Gene: CLCN3 (chloride voltage-gated channel 3; plus strand). Cytogenetic location: 4q33.
Variant type: single nucleotide variant.
Coding change: c.902C>T on transcript NM_001829.4 (MANE Select); coding-DNA position 902, C replaced by T.
Protein change: p.Pro301Leu; replaces proline 301 with leucine.
Molecular consequence: missense variant.
Genome position (GRCh38, 1-based): chr4:169,692,286, C>T. VCF-style: chr4-169692286-C-T. GRCh37 (hg19) VCF-style: chr4-170613437-C-T.
Other names: c.902C>T, p.Pro301Leu (NM_001243372.2, NM_173872.4); c.821C>T, p.Pro274Leu (NM_001243374.2); short protein forms P274L, P301L.
Identifiers: ClinVar variation 4615899 (VCV004615899.1).